The following is an entry in ClinVar:

ClinVar aggregate classification (germline): Uncertain significance (1 of 4 stars; one submission).

Submission:

Labcorp Genetics (formerly Invitae), Labcorp
Classification: Uncertain significance. Last evaluated: 2022-11-22. Review status: criteria provided, single submitter. Criteria: Invitae Variant Classification Sherloc (09022015). Collection method: clinical testing. Allele origin: germline.
Comment: This sequence change replaces leucine, which is neutral and non-polar, with methionine, which is neutral and non-polar, at codon 894 of the CAD protein (p.Leu894Met). In summary, the available evidence is currently insufficient to determine the role of this variant in disease. Therefore, it has been classified as a Variant of Uncertain Significance. Advanced modeling of protein sequence and biophysical properties (such as structural, functional, and spatial information, amino acid conservation, physicochemical variation, residue mobility, and thermodynamic stability) performed at Invitae indicates that this missense variant is not expected to disrupt CAD protein function. This variant has not been reported in the literature in individuals affected with CAD-related conditions. This variant is not present in population databases (gnomAD no frequency).

NM_004341.5(CAD):c.2680C>A (p.Leu894Met)

Genes: CAD (carbamoyl-phosphate synthetase 2, aspartate transcarbamylase, and dihydroorotase; plus strand), LOC126806171 (BRD4-independent group 4 enhancer GRCh37_chr2:27454350-27455549; plus strand). Cytogenetic location: 2p23.3.
Variant type: single nucleotide variant.
Coding change: c.2680C>A on transcript NM_004341.5 (MANE Select); coding-DNA position 2680, C replaced by A.
Protein change: p.Leu894Met; replaces leucine 894 with methionine.
Molecular consequence: missense variant.
Genome position (GRCh38, 1-based): chr2:27,232,482, C>A. VCF-style: chr2-27232482-C-A. GRCh37 (hg19) VCF-style: chr2-27455350-C-A.
Other names: c.2491C>A, p.Leu831Met (NM_001306079.2); short protein forms L894M, L831M.
Identifiers: ClinVar variation 2111997 (VCV002111997.4), dbSNP rs369582294, ClinGen allele CA346212326.